The following is an entry in ClinVar:

ClinVar aggregate classification (germline): Likely pathogenic (1 of 4 stars; one submission).

Conditions:
Rubinstein-Taybi syndrome (RSTS). Identifiers: Orphanet 783, MedGen C0035934, MONDO:0019188.

Submission:

Labcorp Genetics (formerly Invitae), Labcorp
Classification: Likely pathogenic for Rubinstein-Taybi syndrome. Last evaluated: 2022-02-04. Review status: criteria provided, single submitter. Criteria: Invitae Variant Classification Sherloc (09022015). Collection method: clinical testing. Allele origin: germline.
Comment: In summary, the currently available evidence indicates that the variant is pathogenic, but additional data are needed to prove that conclusively. Therefore, this variant has been classified as Likely Pathogenic. Algorithms developed to predict the effect of sequence changes on RNA splicing suggest that this variant may disrupt the consensus splice site. This variant has not been reported in the literature in individuals affected with CREBBP-related conditions. This variant is not present in population databases (gnomAD no frequency). This sequence change affects a donor splice site in intron 12 of the CREBBP gene. It is expected to disrupt RNA splicing. Variants that disrupt the donor or acceptor splice site typically lead to a loss of protein function (PMID: 16199547), and loss-of-function variants in CREBBP are known to be pathogenic (PMID: 17052327, 18792986).

Literature cited by the submitters: PubMed 16199547; PubMed 17052327; PubMed 18792986.

NM_004380.3(CREBBP):c.2283+1G>T

Gene: CREBBP (CREB binding lysine acetyltransferase; minus strand). Cytogenetic location: 16p13.3.
Variant type: single nucleotide variant.
Coding change: c.2283+1G>T on transcript NM_004380.3 (MANE Select); the canonical splice donor site of the intron after coding-DNA position 2283, G replaced by T.
Molecular consequence: splice donor variant.
Genome position (GRCh38, 1-based): chr16:3,774,568, C>A on the plus strand (G>T on the coding strand, the complement: CREBBP is on the minus strand). VCF-style: chr16-3774568-C-A. GRCh37 (hg19) VCF-style: chr16-3824569-C-A.
Other names: c.2169+1G>T (NM_001079846.1).
Identifiers: ClinVar variation 2093287 (VCV002093287.4), dbSNP rs2141219467, ClinGen allele CA394553160.